The following is an entry in ClinVar:

NM_002834.5(PTPN11):c.1379+273G>A

Gene: PTPN11 (protein tyrosine phosphatase non-receptor type 11; plus strand). Cytogenetic location: 12q24.13.
Variant type: single nucleotide variant.
Coding change: c.1379+273G>A on transcript NM_002834.5 (MANE Select); 273 bases into the intron after coding-DNA position 1379, G replaced by A.
Molecular consequence: intron variant. On other transcripts: 3 prime UTR variant (1).
Genome position (GRCh38, 1-based): chr12:112,486,902, G>A. VCF-style: chr12-112486902-G-A. GRCh37 (hg19) VCF-style: chr12-112924706-G-A.
Other names: c.*269G>A (NM_080601.3); c.1391+273G>A (NM_001330437.2); c.1376+273G>A (NM_001374625.1).
Identifiers: ClinVar variation 561856 (VCV000561856.3), dbSNP rs41279092, ClinGen allele CA243713267.

ClinVar aggregate classification (germline): Benign. Review status: criteria provided, multiple submitters, no conflicts (2 of 4 stars). 3 submissions from 3 submitters: Benign (3). Last evaluated 2018-06-19.

Allele frequency attached by ClinVar (database versions not stated): 1000 Genomes Project 30x 0.02795; 1000 Genomes Project 0.02855; TOPMed 0.03086; gnomAD 0.03868 and 0.04135.
gnomAD v4.1: 66,792 of 1,393,526 alleles (4.8%); highest among the groups gnomAD compares: South Asian, 7.8%; 1,945 homozygotes.

Submissions (3):

GeneDx
Classification: Benign. Last evaluated: 2018-06-19. Review status: criteria provided, single submitter. Criteria: GeneDx Variant Classification (06012015). Collection method: clinical testing. Allele origin: germline. Affected: yes.
Comment: This variant is considered likely benign or benign based on one or more of the following criteria: it is a conservative change, it occurs at a poorly conserved position in the protein, it is predicted to be benign by multiple in silico algorithms, and/or has population frequency not consistent with disease.

Blueprint Genetics
Classification: Benign. Last evaluated: 2018-06-13. Review status: criteria provided, single submitter. Criteria: ACMG Guidelines, 2015. Collection method: clinical testing. Allele origin: germline.

Breakthrough Genomics
Classification: Benign. Review status: criteria provided, single submitter. Criteria: ACMG Guidelines, 2015. Collection method: not provided. Allele origin: germline. Inheritance: Autosomal dominant inheritance. Affected: yes.